The following is an entry in ClinVar:

ClinVar aggregate classification (germline): Uncertain significance (1 of 4 stars; one submission).

Conditions:
Nephronophthisis 14 (NPHP14). Identifiers: Orphanet 2318, MedGen C3539071, MONDO:0013916, OMIM 614844.

gnomAD v4.1: 1 of 1,612,900 alleles (0.000062%); highest among the groups gnomAD compares: Non-Finnish European, 0.000085%; no homozygotes.

Submission:

Labcorp Genetics (formerly Invitae), Labcorp
Classification: Uncertain significance for Nephronophthisis 14. Last evaluated: 2021-06-19. Review status: criteria provided, single submitter. Criteria: Invitae Variant Classification Sherloc (09022015). Collection method: clinical testing. Allele origin: germline.
Comment: This sequence change replaces glutamic acid with aspartic acid at codon 1133 of the ZNF423 protein (p.Glu1133Asp). The glutamic acid residue is highly conserved and there is a small physicochemical difference between glutamic acid and aspartic acid. This variant is not present in population databases (ExAC no frequency). This variant has not been reported in the literature in individuals with ZNF423-related conditions. Algorithms developed to predict the effect of missense changes on protein structure and function (SIFT, PolyPhen-2, Align-GVGD) all suggest that this variant is likely to be tolerated, but these predictions have not been confirmed by published functional studies and their clinical significance is uncertain. In summary, the available evidence is currently insufficient to determine the role of this variant in disease. Therefore, it has been classified as a Variant of Uncertain Significance.

NM_001379286.1(ZNF423):c.3423A>C (p.Glu1141Asp)

Gene: ZNF423 (zinc finger protein 423; minus strand). Cytogenetic location: 16q12.1.
Variant type: single nucleotide variant.
Coding change: c.3423A>C on transcript NM_001379286.1 (MANE Select); coding-DNA position 3423, A replaced by C.
Protein change: p.Glu1141Asp; replaces glutamic acid 1141 with aspartic acid.
Molecular consequence: missense variant.
Genome position (GRCh38, 1-based): chr16:49,635,753, T>G on the plus strand (A>C on the coding strand, the complement: ZNF423 is on the minus strand). VCF-style: chr16-49635753-T-G. GRCh37 (hg19) VCF-style: chr16-49669664-T-G.
Other names: c.3219A>C, p.Glu1073Asp (NM_001271620.2); c.3048A>C, p.Glu1016Asp (NM_001330533.2); c.3399A>C, p.Glu1133Asp (NM_015069.5); short protein forms E1016D, E1133D, E1073D, E1141D.
Identifiers: ClinVar variation 1500010 (VCV001500010.8), dbSNP rs1972667565, ClinGen allele CA395839399.
Genomic context (GRCh38, chr16:49,635,753, plus strand): 5'-GGGCCCACTGGTCTCCGGCGTGAGGTCACGGTGGTCCACCTGCATGTGGCTCTCCAGGTC[T>G]TCGGCACTCTCAAACTTGACACTGCACTCGGGGCAACGGAGGCCGGCACAGGGCCGGTCG-3'
Protein context (NP_001366215.1, residues 1131-1151): PECSVKFESA[Glu1141Asp]DLESHMQVDH